The following is an entry in ClinVar:

NM_004523.4(KIF11):c.3022G>A (p.Gly1008Arg)

Gene: KIF11 (kinesin family member 11; plus strand). Cytogenetic location: 10q23.33.
Variant type: single nucleotide variant.
Coding change: c.3022G>A on transcript NM_004523.4 (MANE Select); coding-DNA position 3022, G replaced by A.
Protein change: p.Gly1008Arg; replaces glycine 1008 with arginine.
Molecular consequence: missense variant.
Genome position (GRCh38, 1-based): chr10:92,650,500, G>A. VCF-style: chr10-92650500-G-A. GRCh37 (hg19) VCF-style: chr10-94410257-G-A.
Other names: short protein forms G1008R.
Identifiers: ClinVar variation 3004238 (VCV003004238.3), dbSNP rs766041389, ClinGen allele CA5604523.

ClinVar aggregate classification (germline): Uncertain significance (1 of 4 stars; one submission).

Allele frequency attached by ClinVar (database versions not stated): gnomAD 0.00001; gnomAD exomes 0.00001; TOPMed 0.00001; ExAC 0.00003.
gnomAD v4.1: 12 of 1,608,216 alleles (0.00075%); highest among the groups gnomAD compares: South Asian, 0.0033%; no homozygotes.

Submission:

Labcorp Genetics (formerly Invitae), Labcorp
Classification: Uncertain significance. Last evaluated: 2023-10-13. Review status: criteria provided, single submitter. Criteria: Invitae Variant Classification Sherloc (09022015). Collection method: clinical testing. Allele origin: germline.
Comment: This sequence change replaces glycine, which is neutral and non-polar, with arginine, which is basic and polar, at codon 1008 of the KIF11 protein (p.Gly1008Arg). This variant is present in population databases (rs766041389, gnomAD 0.005%). This variant has not been reported in the literature in individuals affected with KIF11-related conditions. An algorithm developed to predict the effect of missense changes on protein structure and function (PolyPhen-2) suggests that this variant is likely to be disruptive. In summary, the available evidence is currently insufficient to determine the role of this variant in disease. Therefore, it has been classified as a Variant of Uncertain Significance.